The following is an entry in ClinVar:

ClinVar aggregate classification (germline): Uncertain significance (1 of 4 stars; one submission).

Allele frequency attached by ClinVar (database versions not stated): gnomAD exomes below 0.00001.
gnomAD v4.1: 3 of 1,614,142 alleles (0.00019%); highest among the groups gnomAD compares: Non-Finnish European, 0.00025%; no homozygotes.

Submission:

Labcorp Genetics (formerly Invitae), Labcorp
Classification: Uncertain significance. Last evaluated: 2023-12-09. Review status: criteria provided, single submitter. Criteria: Invitae Variant Classification Sherloc (09022015). Collection method: clinical testing. Allele origin: germline.
Comment: This sequence change replaces isoleucine, which is neutral and non-polar, with serine, which is neutral and polar, at codon 110 of the FLNB protein (p.Ile110Ser). This variant is not present in population databases (gnomAD no frequency). This variant has not been reported in the literature in individuals affected with FLNB-related conditions. Advanced modeling of protein sequence and biophysical properties (such as structural, functional, and spatial information, amino acid conservation, physicochemical variation, residue mobility, and thermodynamic stability) has been performed at Invitae for this missense variant, however the output from this modeling did not meet the statistical confidence thresholds required to predict the impact of this variant on FLNB protein function. In summary, the available evidence is currently insufficient to determine the role of this variant in disease. Therefore, it has been classified as a Variant of Uncertain Significance.

NM_001457.4(FLNB):c.329T>G (p.Ile110Ser)

Gene: FLNB (filamin B; plus strand). Cytogenetic location: 3p14.3.
Variant type: single nucleotide variant.
Coding change: c.329T>G on transcript NM_001457.4 (MANE Select); coding-DNA position 329, T replaced by G.
Protein change: p.Ile110Ser; replaces isoleucine 110 with serine.
Molecular consequence: missense variant.
Genome position (GRCh38, 1-based): chr3:58,077,082, T>G. VCF-style: chr3-58077082-T-G. GRCh37 (hg19) VCF-style: chr3-58062809-T-G.
Other names: c.329T>G, p.Ile110Ser (NM_001164317.2, NM_001164318.2, NM_001164319.2); short protein forms I110S.
Identifiers: ClinVar variation 3021432 (VCV003021432.3), dbSNP rs760408504, ClinGen allele CA353333180.